The following is an entry in ClinVar:

ClinVar aggregate classification (germline): Pathogenic. Review status: criteria provided, multiple submitters, no conflicts (2 of 4 stars). 5 submissions from 5 submitters: Pathogenic (4). 1 of the submissions does not count toward it. Last evaluated 2025-11-25.

Conditions:
Hypertrophic osteoarthropathy, primary, autosomal dominant. Also called: PACHYDERMOPERIOSTOSIS, AUTOSOMAL DOMINANT; PDP, AUTOSOMAL DOMINANT; PHO, AUTOSOMAL DOMINANT; PHOAD. Identifiers: Orphanet 2796, MedGen C2674695, MONDO:0008172, OMIM 167100.
Hypertrophic osteoarthropathy, primary, autosomal recessive, 2 (PHOAR2E). Also called: HYPERTROPHIC OSTEOARTHROPATHY, PRIMARY, AUTOSOMAL RECESSIVE, 2/ENTEROPATHY SYNDROME; PHOAR2-enteropathy syndrome; PACHYDERMOPERIOSTOSIS, AUTOSOMAL RECESSIVE; PDP, AUTOSOMAL RECESSIVE. Identifiers: Orphanet 2796, MedGen C3280800, MONDO:0013756, OMIM 614441.

Allele frequency attached by ClinVar (database versions not stated): TOPMed below 0.00001; gnomAD 0.00001; ExAC 0.00003; gnomAD exomes 0.00003.
gnomAD v4.1: 42 of 1,613,870 alleles (0.0026%); highest among the groups gnomAD compares: East Asian, 0.067%; no homozygotes.

Submissions (6):

3billion
Classification: Pathogenic for Hypertrophic osteoarthropathy, primary, autosomal recessive, 2. Last evaluated: 2025-11-25. Review status: criteria provided, single submitter. Criteria: ACMG Guidelines, 2015. Collection method: clinical testing. Allele origin: germline. Affected: yes.
Comment: The variant is observed at an extremely low frequency in the gnomAD v4.1.0 dataset (total allele frequency: 0.003%). Predicted Consequence/Location: Canonical splice site: predicted to alter splicing and result in a loss or disruption of normal protein function. Multiple pathogenic loss-of-function variants are reported downstream of the variant. In silico tools predict the variant to alter splicing and produce an abnormal transcript [SpliceAI: 0.89 (spliceogenicity >=0.2, non-spliceogenicity <0.1)]. The variant has been reported to be in trans with a pathogenic variant as either compound heterozygous or homozygous in at least one similarly affected unrelated individual (PMID: 27134495). The variant has been reported at least twice as pathogenic without evidence for the classification (ClinVar ID: VCV000225478 /PMID: 22197487 /3billion dataset). Therefore, this variant is classified as Pathogenic according to the recommendation of ACMG/AMP guideline.

Labcorp Genetics (formerly Invitae), Labcorp
Classification: Pathogenic. Last evaluated: 2022-08-09. Review status: criteria provided, single submitter. Criteria: Invitae Variant Classification Sherloc (09022015). Collection method: clinical testing. Allele origin: germline.
Comment: This sequence change affects a donor splice site in intron 7 of the SLCO2A1 gene. RNA analysis indicates that disruption of this splice site induces altered splicing and may result in an absent or disrupted protein product. This variant is present in population databases (rs765249238, gnomAD 0.03%). Disruption of this splice site has been observed in individuals with clinical features of hypertrophic osteoarthropathy or chronic enteropathy (PMID: 22906430, 24012041, 24929850, 26072672, 26539716). ClinVar contains an entry for this variant (Variation ID: 225478). Algorithms developed to predict the effect of variants on protein structure and function are not available or were not evaluated for this variant. Experimental studies have shown that disruption of this splice site affects SLCO2A1 function (PMID: 26539716). Studies have shown that disruption of this splice site results in skipping of exon 7 and introduces a premature termination codon (PMID: 26539716). The resulting mRNA is expected to undergo nonsense-mediated decay. For these reasons, this variant has been classified as Pathogenic.

Soonchunhyang University Bucheon Hospital, Soonchunhyang University Medical Center
Classification: Pathogenic for Hypertrophic osteoarthropathy, primary, autosomal recessive, 2. Last evaluated: 2016-03-18. Review status: criteria provided, single submitter. Criteria: ACMG Guidelines, 2015. Collection method: reference population. Allele origin: germline. Observed: 1 variant allele.

Department of Traditional Chinese Medicine, Fujian Provincial Hospital
Classification: Pathogenic for Hypertrophic osteoarthropathy, primary, autosomal dominant. Review status: criteria provided, single submitter. Criteria: ACMG Guidelines, 2015. Collection method: research. Allele origin: inherited.
Comment: The SLCO2A1 c.940+1G>A variant affects the invariant +1 nucleotide of the canonical splice donor site in intron 7. Disruption of this essential splice-site nucleotide is expected to abolish normal RNA splicing and result in loss of SLCO2A1 function. RNA analysis using patient-derived intestinal tissue demonstrated that this variant causes complete skipping of exon 7. The abnormal transcript results in a frameshift beginning at codon 288 and introduces a premature termination codon, predicted as p.(Arg288GlyfsTer7). The resulting transcript is expected to undergo nonsense-mediated decay or produce a severely truncated protein. Additional functional studies demonstrated that SLCO2A1 protein was undetectable in the vascular endothelial cells of affected intestinal tissue. The experimentally generated exon 7-deleted protein failed to localize normally to the cell membrane and showed markedly impaired prostaglandin E2 transport activity in transfected cells. These findings provide direct evidence that c.940+1G>A causes loss of SLCO2A1 function. The variant has been repeatedly identified in multiple unrelated individuals with primary hypertrophic osteoarthropathy and related SLCO2A1-associated phenotypes across several independent studies (PMID: 22197487, 22696055, 26539716, and 27134495). It is also listed in ClinVar as pathogenic without conflicting classifications (Variation ID: 225478). The clinical phenotype of the present patient is highly consistent with SLCO2A1-related primary hypertrophic osteoarthropathy. Based on disruption of a canonical splice donor site, experimentally confirmed abnormal splicing, loss of protein expression and prostaglandin transport function, repeated observations in affected individuals, and phenotype specificity, this variant meets ACMG/AMP criteria PVS1, PS3, PS4_Supporting, and PP4 and is classified as pathogenic.

OMIM
Classification: Pathogenic for PHOAR2-ENTEROPATHY SYNDROME. Last evaluated: 2012-01-13. Review status: no assertion criteria provided. Collection method: literature only. Allele origin: germline. Not counted in ClinVar's aggregate classification.

Dr. Peter K. Rogan Lab, Western University
No classification provided (evidence only). Condition: Hepatocellular carcinoma. Review status: no classification provided. Collection method: in vitro. Allele origin: not applicable. Functional consequence: retained intron. Not counted in ClinVar's aggregate classification.

Literature cited by the submitters: PubMed 22197487 (cited by 4 submitters); PubMed 27134495 (cited by 3 submitters); PubMed 22906430 (cited by Labcorp Genetics (formerly Invitae), Labcorp); PubMed 24012041 (cited by Labcorp Genetics (formerly Invitae), Labcorp); PubMed 24929850 (cited by Labcorp Genetics (formerly Invitae), Labcorp); PubMed 26072672 (cited by Labcorp Genetics (formerly Invitae), Labcorp); PubMed 26539716 (cited by 3 submitters); PubMed 24153155 (cited by Soonchunhyang University Bucheon Hospital, Soonchunhyang University Medical Center); PubMed 22696055 (cited by Department of Traditional Chinese Medicine, Fujian Provincial Hospital and OMIM); PubMed 25810087 (cited by OMIM); PubMed 29313109 (cited by OMIM).

NM_005630.3(SLCO2A1):c.940+1G>A

Gene: SLCO2A1 (solute carrier organic anion transporter family member 2A1; minus strand). Cytogenetic location: 3q22.1.
Variant type: single nucleotide variant.
Coding change: c.940+1G>A on transcript NM_005630.3 (MANE Select); the canonical splice donor site of the intron after coding-DNA position 940, G replaced by A.
Molecular consequence: splice donor variant.
Genome position (GRCh38, 1-based): chr3:133,948,892, C>T on the plus strand (G>A on the coding strand, the complement: SLCO2A1 is on the minus strand). VCF-style: chr3-133948892-C-T. GRCh37 (hg19) VCF-style: chr3-133667736-C-T.
Other names: IVS7, G-A, +1.
Identifiers: ClinVar variation 225478 (VCV000225478.13), dbSNP rs765249238, ClinGen allele CA2626630.